The following is an entry in ClinVar:

NM_003073.5(SMARCB1):c.220C>T (p.Pro74Ser)

Gene: SMARCB1 (SWI/SNF related BAF chromatin remodeling complex subunit B1; plus strand). Cytogenetic location: 22q11.23.
Variant type: single nucleotide variant.
Coding change: c.220C>T on transcript NM_003073.5 (MANE Select); coding-DNA position 220, C replaced by T.
Protein change: p.Pro74Ser; replaces proline 74 with serine.
Molecular consequence: missense variant. On other transcripts: intron variant (2).
Genome position (GRCh38, 1-based): chr22:23,791,882, C>T. VCF-style: chr22-23791882-C-T. GRCh37 (hg19) VCF-style: chr22-24134069-C-T.
Other names: c.205+15C>T (NM_001007468.3, NM_001317946.2); c.220C>T, p.Pro74Ser (NM_001362877.2); short protein forms P74S.
Identifiers: ClinVar variation 2566868 (VCV002566868.2), dbSNP rs2517660878, ClinGen allele CA410933196.

ClinVar aggregate classification (germline): Uncertain significance (1 of 4 stars; one submission).

Conditions:
Hereditary cancer-predisposing syndrome. Also called: Hereditary neoplastic syndrome; Hereditary Cancer Syndrome; Neoplastic Syndromes, Hereditary; Tumor predisposition. Identifiers: Orphanet 140162, MedGen C0027672, MeSH D009386, MONDO:0015356.

Submission:

Ambry Genetics
Classification: Uncertain significance for Hereditary cancer-predisposing syndrome. Last evaluated: 2023-05-09. Review status: criteria provided, single submitter. Criteria: Ambry Variant Classification Scheme 2023. Collection method: clinical testing. Allele origin: germline.
Comment: The p.P74S variant (also known as c.220C>T), located in coding exon 2 of the SMARCB1 gene, results from a C to T substitution at nucleotide position 220. The proline at codon 74 is replaced by serine, an amino acid with similar properties. This amino acid position is well conserved in available vertebrate species. In addition, this alteration is predicted to be tolerated by in silico analysis. Missense and in-frame variants in SMARCB1 are known to cause neurodevelopmental disorders; however, such associations with rhabdoid tumor predisposition syndrome are exceedingly rare (Kosho T et al. Am J Med Genet C Semin Med Genet. 2014 Sep;166C(3):262-75; Eaton KW et al. Pediatr Blood Cancer. 2011 Jan;56(1):7-15). Based on the supporting evidence, the association of this alteration with SMARCB1-related tumor predisposition syndrome is unknown; however, the association of this alteration with Coffin-Siris syndrome is unlikely.